The following is an entry in ClinVar:

NM_002905.5(RDH5):c.928delinsGAAG (p.Leu310delinsGluVal)

Genes: BLOC1S1-RDH5 (BLOC1S1-RDH5 readthrough; plus strand), CD63 (CD63 molecule; minus strand), RDH5 (retinol dehydrogenase 5; plus strand). Cytogenetic location: 12q13.2.
Variant type: Indel.
Coding change: c.928delinsGAAG on transcript NM_002905.5 (MANE Select); coding-DNA position 928, C replaced by GAAG.
Protein change: p.Leu310delinsGluVal.
Molecular consequence: inframe indel. On other transcripts: non-coding transcript variant (1), 3 prime UTR variant (2).
Genome position (GRCh38, 1-based): chr12:55,724,516, C replaced by GAAG. VCF-style: chr12-55724516-C-GAAG. GRCh37 (hg19) VCF-style: chr12-56118300-C-GAAG.
Other names: c.928delinsGAAG (NM_002905.3); c.928delinsGAAG, p.Leu310delinsGluVal (NM_001199771.3); c.*548delinsCTTC (NM_001413284.1); c.*563delinsCTTC (NM_001413285.1).
Identifiers: ClinVar variation 8009 (VCV000008009.12), dbSNP rs267607006, ClinGen allele CA119208.

ClinVar aggregate classification (germline): Pathogenic. Review status: criteria provided, multiple submitters, no conflicts (2 of 4 stars). 5 submissions from 5 submitters: Pathogenic (4). 1 of the submissions does not count toward it. Last evaluated 2024-12-16.

Conditions:
RDH5-related disorder. Also called: RDH5-related condition.
Pigmentary retinal dystrophy. Also called: Fundus albipunctatus. Identifiers: Orphanet 227796, Orphanet 52427, MedGen C0311338, MONDO:0007639, OMIM 136880, HP:0030642.
Fundus albipunctatus, autosomal recessive. Identifiers: MedGen C4016746.

Submissions (5):

Labcorp Genetics (formerly Invitae), Labcorp
Classification: Pathogenic. Last evaluated: 2024-12-16. Review status: criteria provided, single submitter. Criteria: Invitae Variant Classification Sherloc (09022015). Collection method: clinical testing. Allele origin: germline.
Comment: This variant, c.928delinsGAAG, is a complex sequence change that results in the deletion of 1 and insertion of 2 amino acid(s) in the RDH5 protein (p.Leu310delinsGluVal). This variant is present in population databases (rs761500612, gnomAD 0.07%). This variant has been observed in individual(s) with fundus albipunctatus (PMID: 11053295, 15007239, 28393863). In at least one individual the data is consistent with being in trans (on the opposite chromosome) from a pathogenic variant. ClinVar contains an entry for this variant (Variation ID: 882948). Invitae Evidence Modeling of protein sequence and biophysical properties (such as structural, functional, and spatial information, amino acid conservation, physicochemical variation, residue mobility, and thermodynamic stability) indicates that this missense variant is expected to disrupt RDH5 protein function with a positive predictive value of 80%. Experimental studies have shown that this variant affects RDH5 function (PMID: 11675386). For these reasons, this variant has been classified as Pathogenic.

Blueprint Genetics
Classification: Pathogenic for RDH5-related disorders. Last evaluated: 2022-06-20. Review status: criteria provided, single submitter. Criteria: ACMG Guidelines, 2015. Collection method: clinical testing. Allele origin: germline. Affected: yes. Observed: 2 variant alleles.

GeneDx
Classification: Pathogenic. Last evaluated: 2017-08-23. Review status: criteria provided, single submitter. Criteria: GeneDx Variant Classification (06012015). Collection method: clinical testing. Allele origin: germline. Affected: yes.
Comment: The c.928delCinsGAAG variant has been reported previously in association with fundus albipunctatus (Nakamura et al., 2000, Niwa et al., 2005). The variant results in the in-frame replacement of the Leucine at position 310 with a Glutamic acid and a Valine residue. Functional studies have shown this variant results in reduced protein stability and activity levels as well as abnormal expression patterns (LidÃ©n et al., 2001). The variant is not observed in large population cohorts (Lek et al., 2016; 1000 Genomes Consortium et al., 2015; Exome Variant Server). In summary, we consider this variant to be pathogenic.

Juno Genomics, Hangzhou Juno Genomics, Inc
Classification: Pathogenic for Pigmentary retinal dystrophy. Review status: criteria provided, single submitter. Criteria: ACMG Guidelines, 2015. Collection method: clinical testing. Allele origin: germline.
Comment: Protein length changes due to in-frame deletions/insertions in a non-repeat region or stop-loss variants.;For recessive disorders, detected in trans with a pathogenic variant.;Co-segregation with disease in multiple affected family members.

OMIM
Classification: Pathogenic for FUNDUS ALBIPUNCTATUS, AUTOSOMAL RECESSIVE. Last evaluated: 2002-02-01. Review status: no assertion criteria provided. Collection method: literature only. Allele origin: germline. Not counted in ClinVar's aggregate classification.

Literature cited by the submitters: PubMed 11053295 (cited by Labcorp Genetics (formerly Invitae), Labcorp); PubMed 15007239 (cited by Labcorp Genetics (formerly Invitae), Labcorp); PubMed 28393863 (cited by Labcorp Genetics (formerly Invitae), Labcorp); PubMed 11675386 (cited by Labcorp Genetics (formerly Invitae), Labcorp); PubMed 11812441 (cited by OMIM).